The following is an entry in ClinVar:

ClinVar aggregate classification (germline): Benign/Likely benign. Review status: criteria provided, multiple submitters, no conflicts (2 of 4 stars). 23 submissions from 22 submitters: Benign (5); Likely benign (13). 5 of the submissions do not count toward it. Last evaluated 2026-06-01.

Conditions:
TSC1-related disorder. Also called: TSC1-related condition.
Hereditary cancer-predisposing syndrome. Also called: Tumor predisposition; Hereditary neoplastic syndrome; Hereditary Cancer Syndrome; Neoplastic Syndromes, Hereditary. Identifiers: Orphanet 140162, MedGen C0027672, MeSH D009386, MONDO:0015356.
Lymphangiomyomatosis (LAM). Also called: Lymphangioleiomyomatosis, somatic; Lymphangioleiomyomatosis. Identifiers: Orphanet 538, MedGen C0751674, MONDO:0011705, OMIM 606690.
Tuberous sclerosis 1 (TSC1). Identifiers: Orphanet 805, MedGen C1854465, MONDO:0008612, OMIM 191100.
Isolated focal cortical dysplasia type II (FCORD2). Also called: Focal cortical dysplasia type II; CORTICAL DYSPLASIA OF TAYLOR. Identifiers: Orphanet 268994, MedGen C1846385, MONDO:0011818, OMIM 607341, HP:0032051.
Tuberous sclerosis syndrome (TSC). Also called: Tuberous Sclerosis Complex; Tuberous sclerosis. Identifiers: Orphanet 805, MedGen C0041341, MONDO:0001734.

Allele frequency attached by ClinVar (database versions not stated): gnomAD exomes 0.00014 and 0.00024; ESP Exome Variant Server 0.00015; TOPMed 0.00015; gnomAD 0.00016 and 0.00023; ExAC 0.00026; 1000 Genomes Project 30x 0.00078; 1000 Genomes Project 0.00080.
gnomAD v4.1: 247 of 1,614,168 alleles (0.015%); highest among the groups gnomAD compares: South Asian, 0.11%; 1 homozygote.

Submissions (23):

CeGaT Center for Human Genetics Tuebingen
Classification: Likely benign. Last evaluated: 2026-06-01. Review status: criteria provided, single submitter. Criteria: CeGaT Center For Human Genetics Tuebingen Variant Classification Criteria Version 2. Collection method: clinical testing. Allele origin: germline. Affected: yes. Observed: 3 variant alleles.
Comment: TSC1: PP2, BP4, BS1

Women's Health and Genetics/Laboratory Corporation of America, LabCorp
Classification: Likely benign. Last evaluated: 2026-05-07. Review status: criteria provided, single submitter. Criteria: LabCorp Variant Classification Summary - May 2015. Collection method: clinical testing. Allele origin: germline.

Labcorp Genetics (formerly Invitae), Labcorp
Classification: Benign for Tuberous sclerosis 1. Last evaluated: 2026-02-02. Review status: criteria provided, single submitter. Criteria: Invitae Variant Classification Sherloc (09022015). Collection method: clinical testing. Allele origin: germline.

Ambry Genetics
Classification: Likely benign for Hereditary cancer-predisposing syndrome. Last evaluated: 2025-03-19. Review status: criteria provided, single submitter. Criteria: Ambry Variant Classification Scheme 2023. Collection method: clinical testing. Allele origin: germline.

Laboratory of Genetics, Children's Clinical University Hospital Latvia
Classification: Likely benign. Last evaluated: 2025-02-16. Review status: criteria provided, single submitter. Criteria: ACMG Guidelines, 2015. Collection method: clinical testing. Allele origin: germline. Affected: yes.

Myriad Genetics, Inc.
Classification: Likely benign for Tuberous sclerosis 1. Last evaluated: 2024-08-12. Review status: criteria provided, single submitter. Criteria: Myriad Autosomal Dominant, Autosomal Recessive and X-Linked Classification Criteria (2023). Collection method: clinical testing. Allele origin: unknown.
Comment: This variant is considered likely benign. This variant has been observed at a population frequency that is significantly greater than expected given the associated disease prevalence and penetrance.

ARUP Laboratories, Molecular Genetics and Genomics, ARUP Laboratories
Classification: Likely benign. Last evaluated: 2024-02-15. Review status: criteria provided, single submitter. Criteria: ARUP Molecular Germline Variant Investigation Process 2024. Collection method: clinical testing. Allele origin: germline.

Blueprint Genetics
Classification: Likely benign. Last evaluated: 2023-10-19. Review status: criteria provided, single submitter. Criteria: ACMG Guidelines, 2015. Collection method: clinical testing. Allele origin: germline.

Department of Pathology and Laboratory Medicine, Sinai Health System
Classification: Likely benign for Tuberous sclerosis 1; Lymphangiomyomatosis; Isolated focal cortical dysplasia type II. Last evaluated: 2023-08-28. Review status: criteria provided, single submitter. Criteria: ACMG Guidelines, 2015. Collection method: clinical testing. Allele origin: germline. Affected: yes.

KCCC/NGS Laboratory, Kuwait Cancer Control Center
Classification: Likely benign for Tuberous sclerosis 1. Last evaluated: 2023-07-07. Review status: criteria provided, single submitter. Criteria: ACMG Guidelines, 2015. Collection method: clinical testing. Allele origin: germline. Affected: yes.

Genome-Nilou Lab
Classification: Benign for Tuberous sclerosis 1. Last evaluated: 2021-11-07. Review status: criteria provided, single submitter. Criteria: ACMG Guidelines, 2015. Collection method: clinical testing. Allele origin: germline. Affected: no.

Fulgent Genetics
Classification: Likely benign for Tuberous sclerosis 1; Lymphangiomyomatosis; Isolated focal cortical dysplasia type II. Last evaluated: 2021-07-12. Review status: criteria provided, single submitter. Criteria: ACMG Guidelines, 2015. Collection method: clinical testing. Allele origin: unknown.

Sema4
Classification: Benign for Hereditary cancer-predisposing syndrome. Last evaluated: 2021-01-11. Review status: criteria provided, single submitter. Criteria: Sema4 Curation Guidelines. Collection method: curation. Allele origin: germline.

GeneDx
Classification: Benign. Last evaluated: 2020-12-21. Review status: criteria provided, single submitter. Criteria: GeneDx Variant Classification Process June 2021. Collection method: clinical testing. Allele origin: germline. Affected: yes.

Division of Genomic Medicine, Department of Advanced Medicine, Medical Research Institute, Kanazawa Medical University
Classification: Likely benign for Tuberous sclerosis 1. Last evaluated: 2020-07-10. Review status: criteria provided, single submitter. Criteria: ACMG Guidelines, 2015. Collection method: clinical testing. Allele origin: germline. Affected: yes. Observed: 1 variant allele.

Color Diagnostics, LLC DBA Color Health
Classification: Likely benign for Tuberous sclerosis syndrome. Last evaluated: 2018-03-05. Review status: criteria provided, single submitter. Criteria: ACMG Guidelines, 2015. Collection method: clinical testing. Allele origin: germline.

Illumina Laboratory Services, Illumina
Classification: Likely benign for Tuberous sclerosis 1. Last evaluated: 2018-01-12. Review status: criteria provided, single submitter. Criteria: ICSL Variant Classification Criteria 13 December 2019. Collection method: clinical testing. Allele origin: germline.
Comment: This variant was observed in the ICSL laboratory as part of a predisposition screen in an ostensibly healthy population. It had not been previously curated by ICSL or reported in the Human Gene Mutation Database (HGMD: prior to June 1st, 2018), and was therefore a candidate for classification through an automated scoring system. Utilizing variant allele frequency, disease prevalence and penetrance estimates, and inheritance mode, an automated score was calculated to assess if this variant is too frequent to cause the disease. Based on the score and internal cut-off values, a variant classified as likely benign is not then subjected to further curation. The score for this variant resulted in a classification of likely benign for this disease.

Illumina Laboratory Services, Illumina
Classification: Benign for Isolated focal cortical dysplasia type II. Last evaluated: 2018-01-12. Review status: criteria provided, single submitter. Criteria: ICSL Variant Classification Criteria 13 December 2019. Collection method: clinical testing. Allele origin: germline.
Comment: This variant was observed in the ICSL laboratory as part of a predisposition screen in an ostensibly healthy population. It had not been previously curated by ICSL or reported in the Human Gene Mutation Database (HGMD: prior to June 1st, 2018), and was therefore a candidate for classification through an automated scoring system. Utilizing variant allele frequency, disease prevalence and penetrance estimates, and inheritance mode, an automated score was calculated to assess if this variant is too frequent to cause the disease. Based on the score and internal cut-off values, a variant classified as benign is not then subjected to further curation. The score for this variant resulted in a classification of benign for this disease.

PreventionGenetics, part of Exact Sciences
Classification: Likely benign for TSC1-related condition. Last evaluated: 2019-11-13. Review status: no assertion criteria provided. Collection method: clinical testing. Allele origin: germline. Not counted in ClinVar's aggregate classification.
Comment: This variant is classified as likely benign based on ACMG/AMP sequence variant interpretation guidelines (Richards et al. 2015 PMID: 25741868, with internal and published modifications).

Clinical Genetics DNA and cytogenetics Diagnostics Lab, Erasmus MC, Erasmus Medical Center
Classification: Benign. Review status: no assertion criteria provided. Collection method: clinical testing. Allele origin: germline. Affected: yes. Study: VKGL Data-share Consensus. Not counted in ClinVar's aggregate classification.

Clinical Genetics, Academic Medical Center
Classification: Likely benign. Review status: no assertion criteria provided. Collection method: clinical testing. Allele origin: germline. Affected: yes. Study: VKGL Data-share Consensus. Not counted in ClinVar's aggregate classification.

Diagnostic Laboratory, Department of Genetics, University Medical Center Groningen
Classification: Benign. Review status: no assertion criteria provided. Collection method: clinical testing. Allele origin: germline. Affected: yes. Study: VKGL Data-share Consensus. Not counted in ClinVar's aggregate classification.

Genome Diagnostics Laboratory, Amsterdam University Medical Center
Classification: Likely benign. Review status: no assertion criteria provided. Collection method: clinical testing. Allele origin: germline. Affected: yes. Study: VKGL Data-share Consensus. Not counted in ClinVar's aggregate classification.

NM_000368.5(TSC1):c.1936A>G (p.Met646Val)

Gene: TSC1 (TSC complex subunit 1; minus strand). Cytogenetic location: 9q34.13.
Variant type: single nucleotide variant.
Coding change: c.1936A>G on transcript NM_000368.5 (MANE Select); coding-DNA position 1936, A replaced by G.
Protein change: p.Met646Val; replaces methionine 646 with valine.
Molecular consequence: missense variant.
Genome position (GRCh38, 1-based): chr9:132,905,642, T>C on the plus strand (A>G on the coding strand, the complement: TSC1 is on the minus strand). VCF-style: chr9-132905642-T-C. GRCh37 (hg19) VCF-style: chr9-135781029-T-C.
Other names: p.M646V:ATG>GTG; c.1933A>G, p.Met645Val (NM_001162426.2); c.1783A>G, p.Met595Val (NM_001162427.2); c.1573A>G, p.Met525Val (NM_001362177.2); short protein forms M646V, M645V, M595V, M525V.
Identifiers: ClinVar variation 141699 (VCV000141699.58), dbSNP rs145741748, ClinGen allele CA005613.